The following is an entry in ClinVar:

ClinVar aggregate classification (germline): Uncertain significance. Review status: criteria provided, multiple submitters, no conflicts (2 of 4 stars). 3 submissions from 3 submitters: Uncertain significance (3). Last evaluated 2025-03-27.

Conditions:
Hypersulfaturia (HYSULF). Identifiers: MedGen C5830511, MONDO:0957268, OMIM 620372.
Nephrolithiasis susceptibility caused by SLC26A1 (CAON1). Also called: NEPHROLITHIASIS, CALCIUM OXALATE, 1. Identifiers: MedGen C5779632, MONDO:0020722, OMIM 167030.
Inborn genetic diseases. Identifiers: MedGen C0950123, MeSH D030342.

Allele frequency attached by ClinVar (database versions not stated): ESP Exome Variant Server 0.00008; gnomAD 0.00023; TOPMed 0.00029; ExAC 0.00003; gnomAD exomes 0.00005.
gnomAD v4.1: 116 of 1,612,438 alleles (0.0072%); highest among the groups gnomAD compares: Admixed American, 0.083%; no homozygotes.

Submissions (3):

Labcorp Genetics (formerly Invitae), Labcorp
Classification: Uncertain significance. Last evaluated: 2025-03-27. Review status: criteria provided, single submitter. Criteria: Invitae Variant Classification Sherloc (09022015). Collection method: clinical testing. Allele origin: germline.
Comment: This sequence change replaces proline, which is neutral and non-polar, with leucine, which is neutral and non-polar, at codon 148 of the SLC26A1 protein (p.Pro148Leu). This variant is present in population databases (rs142565869, gnomAD 0.05%). This variant has not been reported in the literature in individuals affected with SLC26A1-related conditions. ClinVar contains an entry for this variant (Variation ID: 2349152). An algorithm developed to predict the effect of missense changes on protein structure and function outputs the following: PolyPhen-2: "Benign". The leucine amino acid residue is found in multiple mammalian species, which suggests that this missense change does not adversely affect protein function. In summary, the available evidence is currently insufficient to determine the role of this variant in disease. Therefore, it has been classified as a Variant of Uncertain Significance.

Ambry Genetics
Classification: Uncertain significance for Inborn genetic diseases. Last evaluated: 2024-10-23. Review status: criteria provided, single submitter. Criteria: Ambry Variant Classification Scheme 2023. Collection method: clinical testing. Allele origin: germline.

Fulgent Genetics
Classification: Uncertain significance for Nephrolithiasis susceptibility caused by SLC26A1; Hypersulfaturia. Last evaluated: 2024-01-05. Review status: criteria provided, single submitter. Criteria: ACMG Guidelines, 2015. Collection method: clinical testing. Allele origin: germline.

NM_022042.4(SLC26A1):c.443C>T (p.Pro148Leu)

Genes: IDUA (alpha-L-iduronidase; plus strand), SLC26A1 (solute carrier family 26 member 1; minus strand). Cytogenetic location: 4p16.3.
Variant type: single nucleotide variant.
Coding change: c.443C>T on transcript NM_022042.4 (MANE Select); coding-DNA position 443, C replaced by T.
Protein change: p.Pro148Leu; replaces proline 148 with leucine.
Molecular consequence: missense variant. On other transcripts: intron variant (1).
Genome position (GRCh38, 1-based): chr4:991,261, G>A on the plus strand (C>T on the coding strand, the complement: SLC26A1 is on the minus strand). VCF-style: chr4-991261-G-A. GRCh37 (hg19) VCF-style: chr4-985049-G-A.
Other names: c.443C>T, p.Pro148Leu (NM_134425.4, NM_213613.4); c.299+3312G>A (NM_000203.5); short protein forms P148L.
Identifiers: ClinVar variation 2349152 (VCV002349152.7), dbSNP rs142565869, ClinGen allele CA2801667.
Genomic context (GRCh38, chr4:991,261, plus strand): 5'-ATGGCAGCCGAGCCGTTGAGGGTGCTGCTGTTGGCTCCGGGCTGCAGGCCGTCCTGGGAG[G>A]GGTCAAAGCCGGCCAGCTGGAGCTCCCGGTCCACCACCTGCCCCACCATGAGGCAAAGCA-3'
Protein context (NP_071325.2, residues 138-158): DRELQLAGFD[Pro148Leu]SQDGLQPGAN